The following is an entry in ClinVar:

NM_000030.3(AGXT):c.285G>T (p.Glu95Asp)

Gene: AGXT (alanine--glyoxylate aminotransferase; plus strand). Cytogenetic location: 2q37.3.
Variant type: single nucleotide variant.
Coding change: c.285G>T on transcript NM_000030.3 (MANE Select); coding-DNA position 285, G replaced by T.
Protein change: p.Glu95Asp; replaces glutamic acid 95 with aspartic acid.
Molecular consequence: missense variant.
Genome position (GRCh38, 1-based): chr2:240,869,289, G>T. VCF-style: chr2-240869289-G-T. GRCh37 (hg19) VCF-style: chr2-241808706-G-T.
Other names: short protein forms E95D.
Identifiers: ClinVar variation 2681161 (VCV002681161.1), dbSNP rs2528740289, ClinGen allele CA351313713.

ClinVar aggregate classification (germline): Uncertain significance (1 of 4 stars; one submission).

Conditions:
Primary hyperoxaluria, type I (HP1). Also called: OXALOSIS I; Primary hyperoxaluria type 1; GLYCOLIC ACIDURIA; HEPATIC AGT DEFICIENCY. Identifiers: Orphanet 416, Orphanet 93598, MedGen C0268164, MONDO:0009823, OMIM 259900. Disease mechanism: loss of function.

Submission:

Clinical Biochemistry Laboratory, Health Services Laboratory
Classification: Uncertain significance for Primary hyperoxaluria, type I. Last evaluated: 2023-10-27. Review status: criteria provided, single submitter. Criteria: ACMG Guidelines, 2015. Collection method: curation. Allele origin: germline. Affected: yes.
Comment: ACMG:PM2 PP2 PP3

Literature cited by the submitters: PubMed 36185032.